The following is an entry in ClinVar:

NM_007294.4(BRCA1):c.134+12T>C

Gene: BRCA1 (BRCA1 DNA repair associated; minus strand). Cytogenetic location: 17q21.31.
Variant type: single nucleotide variant.
Coding change: c.134+12T>C on transcript NM_007294.4 (MANE Select); 12 bases into the intron after coding-DNA position 134, T replaced by C.
Molecular consequence: intron variant.
Genome position (GRCh38, 1-based): chr17:43,115,714, A>G on the plus strand (T>C on the coding strand, the complement: BRCA1 is on the minus strand). VCF-style: chr17-43115714-A-G. GRCh37 (hg19) VCF-style: chr17-41267731-A-G.
Other names: c.-55+12T>C (NM_001407910.1, NM_001407904.1, NM_001407884.1 and 52 more transcripts); c.134+12T>C (NM_001407646.1, NM_001408445.1, NM_001408432.1 and 191 more transcripts); c.-286+12T>C (NM_001407965.1); c.-124+12T>C (NM_001407930.1, NM_001407843.1, NM_001408456.1 and 13 more transcripts); c.-128+12T>C (NM_001408465.1, NM_001407695.1); c.-8+12T>C (NM_001407920.1, NM_001408504.1, NM_001408463.1 and 47 more transcripts); c.-8+5844T>C (NM_001407751.1, NM_001407726.1); c.-171+12T>C (NM_001407900.1, NM_001408492.1, NM_001407889.1); and 10 more.
Identifiers: ClinVar variation 867524 (VCV000867524.7), dbSNP rs2055239927, ClinGen allele CA916080974.

ClinVar aggregate classification (germline): Likely benign. Review status: criteria provided, multiple submitters, no conflicts (2 of 4 stars). 2 submissions from 2 submitters: Likely benign (2). Last evaluated 2025-01-28.

Conditions:
Hereditary breast ovarian cancer syndrome. Also called: Hereditary breast and ovarian cancer; Hereditary breast and ovarian cancer syndrome (HBOC); Breast and ovarian cancer; Hereditary breast and/or ovarian cancer syndrome; BRCA1- and BRCA2-Associated Hereditary Breast and Ovarian Cancer; Hereditary breast and ovarian cancer syndrome. Identifiers: Orphanet 145, MedGen C0677776, MeSH D061325, MONDO:0003582. Disease mechanism: loss of function.

Allele frequency attached by ClinVar (database versions not stated): gnomAD exomes below 0.00001.
gnomAD v4.1: 1 of 1,612,398 alleles (0.000062%); highest among the groups gnomAD compares: Non-Finnish European, 0.000085%; no homozygotes.

Submissions (3):

Women's Health and Genetics/Laboratory Corporation of America, LabCorp
Classification: Likely benign. Last evaluated: 2025-01-28. Review status: criteria provided, single submitter. Criteria: LabCorp Variant Classification Summary - May 2015. Collection method: clinical testing. Allele origin: germline.
Comment: Variant summary: BRCA1 c.134+12T>C alters a non-conserved nucleotide located at a position not widely known to affect splicing. Consensus agreement among computation tools predict no significant impact on normal splicing. However, these predictions have yet to be confirmed by functional studies. The variant was absent in 249290 control chromosomes. The available data on variant occurrences in the general population are insufficient to allow any conclusion about variant significance. To our knowledge, no occurrence of c.134+12T>C in individuals affected with Hereditary Breast And Ovarian Cancer Syndrome has been reported. At least one functional study reports experimental evidence evaluating an impact on protein function and showed no damaging effect of this variant on homology directed repair (HDR) activity (e.g. Findlay_2018). HDR assays qualify as a recognized gold standard on the basis of updated guidance provided by the ClinGen Sequence Variant Interpretation (SVI) working group. The following publication have been ascertained in the context of this evaluation (PMID: 30209399). ClinVar contains an entry for this variant (Variation ID: 867524). Based on the evidence outlined above, the variant was classified as likely benign.

Labcorp Genetics (formerly Invitae), Labcorp
Classification: Likely benign for Hereditary breast ovarian cancer syndrome. Last evaluated: 2024-04-01. Review status: criteria provided, single submitter. Criteria: Invitae Variant Classification Sherloc (09022015). Collection method: clinical testing. Allele origin: germline.

Brotman Baty Institute, University of Washington
No classification provided (evidence only). Condition: Breast-ovarian cancer, familial 1. Review status: no classification provided. Collection method: in vitro. Allele origin: not applicable. Functional consequence: functionally_normal. Not counted in ClinVar's aggregate classification.
ClinVar note: "not provided" was previously submitted as the classification for the variant. However, the classification appeared to be based only on an observation of functional data so it was converted to no classification on 2025-07-30.

Literature cited by the submitters: PubMed 30209399 (cited by Women's Health and Genetics/Laboratory Corporation of America, LabCorp).